The following is an entry in ClinVar:

NM_006172.4(NPPA):c.393C>A (p.Phe131Leu)

Genes: NPPA (natriuretic peptide A; minus strand), NPPA-AS1 (NPPA antisense RNA 1; plus strand), LOC114827827 (VISTA enhancer hs2123; plus strand). Cytogenetic location: 1p36.22.
Variant type: single nucleotide variant.
Coding change: c.393C>A on transcript NM_006172.4 (MANE Select); coding-DNA position 393, C replaced by A.
Protein change: p.Phe131Leu; replaces phenylalanine 131 with leucine.
Molecular consequence: missense variant.
Genome position (GRCh38, 1-based): chr1:11,847,170, G>T on the plus strand (C>A on the coding strand, the complement: NPPA is on the minus strand). VCF-style: chr1-11847170-G-T. GRCh37 (hg19) VCF-style: chr1-11907227-G-T.
Other names: short protein forms F131L.
Identifiers: ClinVar variation 1441707 (VCV001441707.8), dbSNP rs768567024, ClinGen allele CA338449073.

ClinVar aggregate classification (germline): Uncertain significance (1 of 4 stars; one submission).

Conditions:
Atrial fibrillation, familial, 6 (ATFB6). Identifiers: MedGen C2677294, MONDO:0012816, OMIM 612201.

Submission:

Labcorp Genetics (formerly Invitae), Labcorp
Classification: Uncertain significance for Atrial fibrillation, familial, 6. Last evaluated: 2021-02-23. Review status: criteria provided, single submitter. Criteria: Invitae Variant Classification Sherloc (09022015). Collection method: clinical testing. Allele origin: germline.
Comment: This variant is not present in population databases (ExAC no frequency). This variant has not been reported in the literature in individuals with NPPA-related conditions. Algorithms developed to predict the effect of missense changes on protein structure and function are either unavailable or do not agree on the potential impact of this missense change (SIFT: "Deleterious"; PolyPhen-2: "Benign"; Align-GVGD: "Class C15"). In summary, the available evidence is currently insufficient to determine the role of this variant in disease. Therefore, it has been classified as a Variant of Uncertain Significance. This sequence change replaces phenylalanine with leucine at codon 131 of the NPPA protein (p.Phe131Leu). The phenylalanine residue is highly conserved and there is a small physicochemical difference between phenylalanine and leucine.